The following is an entry in ClinVar:

NM_022098.4(XPNPEP3):c.1379A>G (p.Asp460Gly)

Gene: XPNPEP3 (X-prolyl aminopeptidase 3; plus strand). Cytogenetic location: 22q13.2.
Variant type: single nucleotide variant.
Coding change: c.1379A>G on transcript NM_022098.4 (MANE Select); coding-DNA position 1379, A replaced by G.
Protein change: p.Asp460Gly; replaces aspartic acid 460 with glycine.
Molecular consequence: missense variant.
Genome position (GRCh38, 1-based): chr22:40,926,290, A>G. VCF-style: chr22-40926290-A-G. GRCh37 (hg19) VCF-style: chr22-41322294-A-G.
Other names: short protein forms D460G.
Identifiers: ClinVar variation 1923695 (VCV001923695.5), dbSNP rs1408029984, ClinGen allele CA411976286.

ClinVar aggregate classification (germline): Uncertain significance (1 of 4 stars; one submission).

Conditions:
Nephronophthisis-like nephropathy 1 (NPHPL1). Identifiers: Orphanet 655, MedGen C3150419, MONDO:0013163, OMIM 613159.

Allele frequency attached by ClinVar (database versions not stated): TOPMed below 0.00001.

Submission:

Labcorp Genetics (formerly Invitae), Labcorp
Classification: Uncertain significance for Nephronophthisis-like nephropathy 1. Last evaluated: 2022-11-15. Review status: criteria provided, single submitter. Criteria: Invitae Variant Classification Sherloc (09022015). Collection method: clinical testing. Allele origin: germline.
Comment: In summary, the available evidence is currently insufficient to determine the role of this variant in disease. Therefore, it has been classified as a Variant of Uncertain Significance. Algorithms developed to predict the effect of missense changes on protein structure and function are either unavailable or do not agree on the potential impact of this missense change (SIFT: "Tolerated"; PolyPhen-2: "Possibly Damaging"; Align-GVGD: "Class C0"). This variant has not been reported in the literature in individuals affected with XPNPEP3-related conditions. This variant is not present in population databases (gnomAD no frequency). This sequence change replaces aspartic acid, which is acidic and polar, with glycine, which is neutral and non-polar, at codon 460 of the XPNPEP3 protein (p.Asp460Gly).